The following is an entry in ClinVar:

NM_000179.3(MSH6):c.3033T>C (p.Ile1011=)

Gene: MSH6 (mutS homolog 6; plus strand). Cytogenetic location: 2p16.3.
Variant type: single nucleotide variant.
Coding change: c.3033T>C on transcript NM_000179.3 (MANE Select); coding-DNA position 3033, T replaced by C.
Protein change: p.Ile1011=; no amino-acid change (isoleucine 1011 retained).
Molecular consequence: synonymous variant. On other transcripts: non-coding transcript variant (5), intron variant (2).
Genome position (GRCh38, 1-based): chr2:47,801,016, T>C. VCF-style: chr2-47801016-T-C. GRCh37 (hg19) VCF-style: chr2-48028155-T-C.
Other names: c.2643T>C, p.Ile881= (NM_001281492.2); c.2127T>C, p.Ile709= (NM_001281493.2, NM_001281494.2, NM_001406811.1 and 6 more transcripts); c.3129T>C, p.Ile1043= (NM_001406795.1, NM_001406802.1); c.3033T>C, p.Ile1011= (NM_001406796.1, NM_001406798.1, NM_001406800.1 and 2 more transcripts); c.2736T>C, p.Ile912= (NM_001406797.1, NM_001406801.1, NM_001406805.1 and 10 more transcripts); c.2508T>C, p.Ile836= (NM_001406799.1, NM_001406806.1, NM_001406807.1); c.2955T>C, p.Ile985= (NM_001406804.1); c.3039T>C, p.Ile1013= (NM_001406813.1); and 4 more.
Identifiers: ClinVar variation 1799071 (VCV001799071.6), dbSNP rs1572729809, ClinGen allele CA426121718.
Genomic context (GRCh38, chr2:47,801,016, plus strand): 5'-AGAAGAATACGAGTTGAAATCTACCAAGAAGGGCTGTAAACGATACTGGACCAAAACTAT[T>C]GAAAAGAAGTTGGCTAATCTCATAAATGCTGAAGAACGGAGGGATGTATCATTGAAGGAC-3'
Protein context (NP_000170.1, residues 1001-1021): KGCKRYWTKT[Ile1011=]EKKLANLINA

ClinVar aggregate classification (germline): Benign/Likely benign. Review status: criteria provided, multiple submitters, no conflicts (2 of 4 stars). 3 submissions from 3 submitters: Benign (1); Likely benign (2). Last evaluated 2025-01-02.

Conditions:
Hereditary nonpolyposis colorectal neoplasms. Identifiers: MedGen C0009405, MeSH D003123.
Hereditary cancer-predisposing syndrome. Also called: Neoplastic Syndromes, Hereditary; Tumor predisposition; Hereditary Cancer Syndrome; Hereditary neoplastic syndrome. Identifiers: Orphanet 140162, MedGen C0027672, MeSH D009386, MONDO:0015356.
Lynch syndrome 5 (LYNCH5). Also called: Colorectal cancer, hereditary nonpolyposis, type 5; Hereditary non-polyposis colorectal cancer, type 5. Identifiers: Orphanet 144, MedGen C1833477, MONDO:0013710, OMIM 614350. Disease mechanism: loss of function.

Submissions (3):

Myriad Genetics, Inc.
Classification: Benign for Lynch syndrome 5. Last evaluated: 2025-01-02. Review status: criteria provided, single submitter. Criteria: Myriad Autosomal Dominant, Autosomal Recessive and X-Linked Classification Criteria (2023). Collection method: clinical testing. Allele origin: unknown.
Comment: This variant is considered benign. This variant is a silent/synonymous amino acid change and it is not expected to impact splicing.

Labcorp Genetics (formerly Invitae), Labcorp
Classification: Likely benign for Hereditary nonpolyposis colorectal neoplasms. Last evaluated: 2023-02-09. Review status: criteria provided, single submitter. Criteria: Invitae Variant Classification Sherloc (09022015). Collection method: clinical testing. Allele origin: germline.

Ambry Genetics
Classification: Likely benign for Hereditary cancer-predisposing syndrome. Last evaluated: 2019-03-05. Review status: criteria provided, single submitter. Criteria: Ambry Variant Classification Scheme 2023. Collection method: clinical testing. Allele origin: germline.